The following is an entry in ClinVar:

ClinVar aggregate classification (germline): Uncertain significance. Review status: criteria provided, multiple submitters, no conflicts (2 of 4 stars). 4 submissions from 4 submitters: Uncertain significance (4). Last evaluated 2026-03-05.

Conditions:
Developmental and epileptic encephalopathy, 23 (DEE23). Also called: Epileptic encephalopathy, early infantile, 23. Identifiers: Orphanet 411986, MedGen C4014492, MONDO:0014371, OMIM 615859.

Allele frequency attached by ClinVar (database versions not stated): gnomAD exomes below 0.00001 and 0.00001; gnomAD 0.00001; TOPMed 0.00001; ExAC 0.00002.
gnomAD v4.1: 12 of 1,613,134 alleles (0.00074%); highest among the groups gnomAD compares: Admixed American, 0.0067%; no homozygotes.

Submissions (4):

GeneDx
Classification: Uncertain significance. Last evaluated: 2026-03-05. Review status: criteria provided, single submitter. Criteria: GeneDx Variant Classification Process June 2021. Collection method: clinical testing. Allele origin: germline.
Comment: Not observed at significant frequency in large population cohorts (gnomAD); In silico analysis suggests that this missense variant does not alter protein structure/function; Has not been previously published as pathogenic or benign to our knowledge

Labcorp Genetics (formerly Invitae), Labcorp
Classification: Uncertain significance for Developmental and epileptic encephalopathy, 23. Last evaluated: 2023-05-08. Review status: criteria provided, single submitter. Criteria: Invitae Variant Classification Sherloc (09022015). Collection method: clinical testing. Allele origin: germline.
Comment: In summary, the available evidence is currently insufficient to determine the role of this variant in disease. Therefore, it has been classified as a Variant of Uncertain Significance. Advanced modeling of protein sequence and biophysical properties (such as structural, functional, and spatial information, amino acid conservation, physicochemical variation, residue mobility, and thermodynamic stability) performed at Invitae indicates that this missense variant is not expected to disrupt DOCK7 protein function. ClinVar contains an entry for this variant (Variation ID: 661025). This variant has not been reported in the literature in individuals affected with DOCK7-related conditions. This variant is present in population databases (rs749566422, gnomAD 0.002%). This sequence change replaces leucine, which is neutral and non-polar, with valine, which is neutral and non-polar, at codon 2027 of the DOCK7 protein (p.Leu2027Val).

Genome-Nilou Lab
Classification: Uncertain significance for Developmental and epileptic encephalopathy, 23. Last evaluated: 2023-04-11. Review status: criteria provided, single submitter. Criteria: ACMG Guidelines, 2015. Collection method: clinical testing. Allele origin: germline. Affected: no.

Mendelics
Classification: Uncertain significance. Last evaluated: 2022-05-04. Review status: criteria provided, single submitter. Criteria: Mendelics Assertion Criteria 2019. Collection method: clinical testing. Allele origin: germline.

NM_001367561.1(DOCK7):c.6112T>G (p.Leu2038Val)

Gene: DOCK7 (dedicator of cytokinesis 7; minus strand). Cytogenetic location: 1p31.3.
Variant type: single nucleotide variant.
Coding change: c.6112T>G on transcript NM_001367561.1 (MANE Select); coding-DNA position 6112, T replaced by G.
Protein change: p.Leu2038Val; replaces leucine 2038 with valine.
Molecular consequence: missense variant.
Genome position (GRCh38, 1-based): chr1:62,474,082, A>C on the plus strand (T>G on the coding strand, the complement: DOCK7 is on the minus strand). VCF-style: chr1-62474082-A-C. GRCh37 (hg19) VCF-style: chr1-62939753-A-C.
Other names: c.6079T>G, p.Leu2027Val (NM_001271999.2); c.5992T>G, p.Leu1998Val (NM_001272000.2); c.5986T>G, p.Leu1996Val (NM_001272001.2); c.6085T>G, p.Leu2029Val (NM_001330614.2); c.6019T>G, p.Leu2007Val (NM_033407.4); short protein forms L2029V, L1998V, L2027V, L2038V, L1996V, L2007V.
Identifiers: ClinVar variation 661025 (VCV000661025.10), dbSNP rs749566422, ClinGen allele CA885284.